The following is an entry in ClinVar:

ClinVar aggregate classification (germline): Pathogenic. Review status: criteria provided, multiple submitters, no conflicts (2 of 4 stars). 2 submissions from 2 submitters: Pathogenic (2). Last evaluated 2021-11-07.

Conditions:
Familial cancer of breast. Also called: hereditary breast carcinoma; Hereditary breast cancer; BREAST CANCER, FAMILIAL. Identifiers: Orphanet 227535, MedGen C0346153, MONDO:0016419, OMIM 114480. Disease mechanism: loss of function.
Hereditary cancer-predisposing syndrome. Also called: Tumor predisposition; Hereditary Cancer Syndrome; Hereditary neoplastic syndrome; Neoplastic Syndromes, Hereditary. Identifiers: Orphanet 140162, MedGen C0027672, MeSH D009386, MONDO:0015356.

Submissions (2):

Labcorp Genetics (formerly Invitae), Labcorp
Classification: Pathogenic for Familial cancer of breast. Last evaluated: 2021-11-07. Review status: criteria provided, single submitter. Criteria: Invitae Variant Classification Sherloc (09022015). Collection method: clinical testing. Allele origin: germline.
Comment: This sequence change creates a premature translational stop signal (p.Tyr580Leufs*20) in the PALB2 gene. It is expected to result in an absent or disrupted protein product. Loss-of-function variants in PALB2 are known to be pathogenic (PMID: 17200668, 17200671, 17200672, 24136930, 25099575). This variant is not present in population databases (gnomAD no frequency). This variant has not been reported in the literature in individuals affected with PALB2-related conditions. For these reasons, this variant has been classified as Pathogenic.

Ambry Genetics
Classification: Pathogenic for Hereditary cancer-predisposing syndrome. Last evaluated: 2021-08-30. Review status: criteria provided, single submitter. Criteria: Ambry Variant Classification Scheme 2023. Collection method: clinical testing. Allele origin: germline.
Comment: The c.1735_1736dupGC pathogenic mutation, located in coding exon 5 of the PALB2 gene, results from a duplication of GC at nucleotide position 1735, causing a translational frameshift with a predicted alternate stop codon (p.Y580Lfs*20). This variant is considered to be rare based on population cohorts in the Genome Aggregation Database (gnomAD). This alteration is expected to result in loss of function by premature protein truncation or nonsense-mediated mRNA decay. As such, this alteration is interpreted as a disease-causing mutation.

Literature cited by the submitters: PubMed 17200668 (cited by Labcorp Genetics (formerly Invitae), Labcorp); PubMed 17200671 (cited by Labcorp Genetics (formerly Invitae), Labcorp); PubMed 17200672 (cited by Labcorp Genetics (formerly Invitae), Labcorp); PubMed 24136930 (cited by Labcorp Genetics (formerly Invitae), Labcorp); PubMed 25099575 (cited by Labcorp Genetics (formerly Invitae), Labcorp).

NM_024675.4(PALB2):c.1735_1736dup (p.Tyr580fs)

Gene: PALB2 (partner and localizer of BRCA2; minus strand). Cytogenetic location: 16p12.2.
Variant type: Duplication.
Coding change: c.1735_1736dup on transcript NM_024675.4 (MANE Select); coding-DNA positions 1735 to 1736, 2 bases duplicated (GC; older notation c.1735_1736dupGC).
Protein change: p.Tyr580fs; shifts the reading frame from tyrosine 580.
Molecular consequence: frameshift variant.
Genome position (GRCh38, 1-based): chr16:23,630,418-23,630,419, GC duplicated on the plus strand (GC on the coding strand, the reverse complement: PALB2 is on the minus strand). VCF-style (leftmost placement, unchanged base first): chr16-23630417-A-AGC. GRCh37 (hg19) VCF-style: chr16-23641738-A-AGC.
Other names: short protein forms Y580fs.
Identifiers: ClinVar variation 1441715 (VCV001441715.9), dbSNP rs2142390444, ClinGen allele CA2573152156.